The following is an entry in ClinVar:

ClinVar aggregate classification (germline): Uncertain significance (1 of 4 stars; one submission).

Allele frequency attached by ClinVar (database versions not stated): gnomAD exomes below 0.00001 and 0.00001.
gnomAD v4.1: 10 of 1,614,242 alleles (0.00062%); highest among the groups gnomAD compares: Non-Finnish European, 0.00076%; no homozygotes.

Submission:

Labcorp Genetics (formerly Invitae), Labcorp
Classification: Uncertain significance. Last evaluated: 2020-12-17. Review status: criteria provided, single submitter. Criteria: Invitae Variant Classification Sherloc (09022015). Collection method: clinical testing. Allele origin: germline.
Comment: This variant has not been reported in the literature in individuals with ABCA4-related conditions. This variant is not present in population databases (ExAC no frequency). This sequence change replaces valine with leucine at codon 2062 of the ABCA4 protein (p.Val2062Leu). The valine residue is weakly conserved and there is a small physicochemical difference between valine and leucine. Advanced modeling of protein sequence and biophysical properties (such as structural, functional, and spatial information, amino acid conservation, physicochemical variation, residue mobility, and thermodynamic stability) performed at Invitae indicates that this missense variant is not expected to disrupt ABCA4 protein function. In summary, the available evidence is currently insufficient to determine the role of this variant in disease. Therefore, it has been classified as a Variant of Uncertain Significance.

NM_000350.3(ABCA4):c.6184G>C (p.Val2062Leu)

Gene: ABCA4 (ATP binding cassette subfamily A member 4; minus strand). Cytogenetic location: 1p22.1.
Variant type: single nucleotide variant.
Coding change: c.6184G>C on transcript NM_000350.3 (MANE Select); coding-DNA position 6184, G replaced by C.
Protein change: p.Val2062Leu; replaces valine 2062 with leucine.
Molecular consequence: missense variant.
Genome position (GRCh38, 1-based): chr1:94,001,956, C>G on the plus strand (G>C on the coding strand, the complement: ABCA4 is on the minus strand). VCF-style: chr1-94001956-C-G. GRCh37 (hg19) VCF-style: chr1-94467512-C-G.
Other names: c.5962G>C, p.Val1988Leu (NM_001425324.1); short protein forms V2062L, V1988L.
Identifiers: ClinVar variation 1494287 (VCV001494287.6), dbSNP rs1322454000, ClinGen allele CA341278323.